The following is an entry in ClinVar:

ClinVar aggregate classification (germline): Pathogenic (1 of 4 stars; one submission).

Submission:

Labcorp Genetics (formerly Invitae), Labcorp
Classification: Pathogenic. Last evaluated: 2024-05-02. Review status: criteria provided, single submitter. Criteria: Invitae Variant Classification Sherloc (09022015). Collection method: clinical testing. Allele origin: germline.
Comment: This sequence change creates a premature translational stop signal (p.Glu701Argfs*91) in the POLE gene. It is expected to result in an absent or disrupted protein product. Loss-of-function variants in POLE are known to be pathogenic (PMID: 23230001, 25948378, 30503519). This variant is not present in population databases (gnomAD no frequency). This variant has not been reported in the literature in individuals affected with POLE-related conditions. ClinVar contains an entry for this variant (Variation ID: 1396898). For these reasons, this variant has been classified as Pathogenic.

Literature cited by the submitters: PubMed 23230001; PubMed 25948378; PubMed 30503519.

NM_006231.4(POLE):c.2100del (p.Glu701fs)

Gene: POLE (DNA polymerase epsilon, catalytic subunit; minus strand). Cytogenetic location: 12q24.33.
Variant type: Deletion.
Coding change: c.2100del on transcript NM_006231.4 (MANE Select); coding-DNA position 2100, one base deleted (A; older notation c.2100delA).
Protein change: p.Glu701fs; shifts the reading frame from glutamic acid 701.
Molecular consequence: frameshift variant.
Genome position (GRCh38, 1-based): chr12:132,668,429, T deleted on the plus strand (A on the coding strand, the reverse complement: POLE is on the minus strand). VCF-style (leftmost placement, unchanged base first): chr12-132668428-CT-C. GRCh37 (hg19) VCF-style: chr12-133245014-CT-C.
Other names: short protein forms E701fs.
Identifiers: ClinVar variation 1396898 (VCV001396898.8), dbSNP rs2135975397, ClinGen allele CA2573148164.